The following is an entry in ClinVar:

ClinVar aggregate classification (germline): Uncertain significance (1 of 4 stars; one submission).

Conditions:
Dilated cardiomyopathy 1G (CMD1G). Identifiers: Orphanet 154, MedGen C1858763, MONDO:0011400, OMIM 604145.
Autosomal recessive limb-girdle muscular dystrophy type 2J (LGMDR10). Also called: Limb-girdle muscular dystrophy, type 2J; MUSCULAR DYSTROPHY, LIMB-GIRDLE, AUTOSOMAL RECESSIVE 10. Identifiers: Orphanet 140922, MedGen C1837342, MONDO:0012127, OMIM 608807.

Allele frequency attached by ClinVar (database versions not stated): TOPMed below 0.00001; gnomAD 0.00001.
gnomAD v4.1: 2 of 1,613,890 alleles (0.00012%); highest among the groups gnomAD compares: African/African-American, 0.0027%; no homozygotes.

Submission:

Labcorp Genetics (formerly Invitae), Labcorp
Classification: Uncertain significance for Dilated cardiomyopathy 1G; Autosomal recessive limb-girdle muscular dystrophy type 2J. Last evaluated: 2025-12-17. Review status: criteria provided, single submitter. Criteria: Invitae Variant Classification Sherloc (09022015). Collection method: clinical testing. Allele origin: germline.
Comment: This sequence change replaces glutamic acid, which is acidic and polar, with lysine, which is basic and polar, at codon 35225 of the TTN protein (p.Glu35225Lys). This variant is not present in population databases (gnomAD no frequency). This variant has not been reported in the literature in individuals affected with TTN-related conditions. ClinVar contains an entry for this variant (Variation ID: 1062427). Experimental studies and prediction algorithms are not available or were not evaluated, and the functional significance of this variant is currently unknown. This variant is located in the M band of TTN (PMID: 25589632). Non-truncating variants in this region may be relevant for neuromuscular disorders, but have not been definitively shown to cause cardiomyopathy (PMID: 23975875). In summary, the available evidence is currently insufficient to determine the role of this variant in disease. Therefore, it has been classified as a Variant of Uncertain Significance.

Literature cited by the submitters: PubMed 25589632; PubMed 23975875.

NM_001267550.2(TTN):c.105673G>A (p.Glu35225Lys)

Genes: TTN-AS1 (TTN antisense RNA 1; plus strand), TTN (titin; minus strand), LOC129935183 (ATAC-STARR-seq lymphoblastoid active region 16808; plus strand). Cytogenetic location: 2q31.2.
Variant type: single nucleotide variant.
Coding change: c.105673G>A on transcript NM_001267550.2 (MANE Select); coding-DNA position 105673, G replaced by A.
Protein change: p.Glu35225Lys; replaces glutamic acid 35225 with lysine.
Molecular consequence: missense variant.
Genome position (GRCh38, 1-based): chr2:178,530,942, C>T on the plus strand (G>A on the coding strand, the complement: TTN is on the minus strand). VCF-style: chr2-178530942-C-T. GRCh37 (hg19) VCF-style: chr2-179395669-C-T.
Other names: c.100750G>A, p.Glu33584Lys (NM_001256850.1); c.78478G>A, p.Glu26160Lys (NM_003319.4); c.97969G>A, p.Glu32657Lys (NM_133378.4); c.78853G>A, p.Glu26285Lys (NM_133432.3); c.79054G>A, p.Glu26352Lys (NM_133437.4); short protein forms E26160K, E26285K, E26352K, E32657K, E33584K, E35225K.
Identifiers: ClinVar variation 1062427 (VCV001062427.9), dbSNP rs1688847847, ClinGen allele CA349408144.